The following is an entry in ClinVar:

NM_025207.5(FLAD1):c.1649G>A (p.Arg550Gln)

Gene: FLAD1 (flavin adenine dinucleotide synthetase 1; plus strand). Cytogenetic location: 1q21.3.
Variant type: single nucleotide variant.
Coding change: c.1649G>A on transcript NM_025207.5 (MANE Select); coding-DNA position 1649, G replaced by A.
Protein change: p.Arg550Gln; replaces arginine 550 with glutamine.
Molecular consequence: missense variant. On other transcripts: 3 prime UTR variant (1).
Genome position (GRCh38, 1-based): chr1:154,992,922, G>A. VCF-style: chr1-154992922-G-A. GRCh37 (hg19) VCF-style: chr1-154965398-G-A.
Other names: c.1649G>A (NM_025207.4); c.*132G>A (NM_001184891.2); c.1358G>A, p.Arg453Gln (NM_201398.3); short protein forms R550Q, R453Q.
Identifiers: ClinVar variation 1366086 (VCV001366086.5), dbSNP rs911638995, ClinGen allele CA30849155.

ClinVar aggregate classification (germline): Uncertain significance. Review status: criteria provided, multiple submitters, no conflicts (2 of 4 stars). 2 submissions from 2 submitters: Uncertain significance (2). Last evaluated 2025-08-12.

Conditions:
Inborn genetic diseases. Identifiers: MedGen C0950123, MeSH D030342.

Allele frequency attached by ClinVar (database versions not stated): gnomAD 0.00001; gnomAD exomes 0.00002; TOPMed 0.00004.
gnomAD v4.1: 28 of 1,613,830 alleles (0.0017%); highest among the groups gnomAD compares: East Asian, 0.0022%; no homozygotes.

Submissions (2):

Ambry Genetics
Classification: Uncertain significance for Inborn genetic diseases. Last evaluated: 2025-08-12. Review status: criteria provided, single submitter. Criteria: Ambry Variant Classification Scheme 2023. Collection method: clinical testing. Allele origin: germline.

Labcorp Genetics (formerly Invitae), Labcorp
Classification: Uncertain significance. Last evaluated: 2022-07-22. Review status: criteria provided, single submitter. Criteria: Invitae Variant Classification Sherloc (09022015). Collection method: clinical testing. Allele origin: germline.
Comment: This sequence change replaces arginine, which is basic and polar, with glutamine, which is neutral and polar, at codon 550 of the FLAD1 protein (p.Arg550Gln). This variant is present in population databases (no rsID available, gnomAD 0.006%). This variant has not been reported in the literature in individuals affected with FLAD1-related conditions. ClinVar contains an entry for this variant (Variation ID: 1366086). Algorithms developed to predict the effect of missense changes on protein structure and function output the following: SIFT: "Tolerated"; PolyPhen-2: "Benign"; Align-GVGD: "Class C0". The glutamine amino acid residue is found in multiple mammalian species, which suggests that this missense change does not adversely affect protein function. In summary, the available evidence is currently insufficient to determine the role of this variant in disease. Therefore, it has been classified as a Variant of Uncertain Significance.